The following is an entry in ClinVar:

ClinVar aggregate classification (germline): Benign. Review status: criteria provided, single submitter (1 of 4 stars). 2 submissions from 2 submitters: Benign (1). 1 of the submissions does not count toward it. Last evaluated 2024-08-28.

Conditions:
ERMARD-related disorder. Also called: ERMARD-related condition.

Allele frequency attached by ClinVar (database versions not stated): gnomAD 0.00097 and 0.00091; ExAC 0.00033; 1000 Genomes Project 0.00100; TOPMed 0.00100; gnomAD exomes 0.00009 and 0.00022; 1000 Genomes Project 30x 0.00094; ESP Exome Variant Server 0.00131.
gnomAD v4.1: 265 of 1,611,898 alleles (0.016%); highest among the groups gnomAD compares: African/African-American, 0.33%; no homozygotes.

Submissions (2):

Labcorp Genetics (formerly Invitae), Labcorp
Classification: Benign. Last evaluated: 2024-08-28. Review status: criteria provided, single submitter. Criteria: Invitae Variant Classification Sherloc (09022015). Collection method: clinical testing. Allele origin: germline.

PreventionGenetics, part of Exact Sciences
Classification: Likely benign for ERMARD-related condition. Last evaluated: 2021-09-22. Review status: no assertion criteria provided. Collection method: clinical testing. Allele origin: germline. Not counted in ClinVar's aggregate classification.
Comment: This variant is classified as likely benign based on ACMG/AMP sequence variant interpretation guidelines (Richards et al. 2015 PMID: 25741868, with internal and published modifications).

NM_018341.3(ERMARD):c.846C>T (p.Phe282=)

Gene: ERMARD (ER membrane associated RNA degradation; plus strand). Cytogenetic location: 6q27.
Variant type: single nucleotide variant.
Coding change: c.846C>T on transcript NM_018341.3 (MANE Select); coding-DNA position 846, C replaced by T.
Protein change: p.Phe282=; no amino-acid change (phenylalanine 282 retained).
Molecular consequence: synonymous variant.
Genome position (GRCh38, 1-based): chr6:169,760,745, C>T. VCF-style: chr6-169760745-C-T. GRCh37 (hg19) VCF-style: chr6-170160841-C-T.
Other names: c.846C>T, p.Phe282= (NM_001278531.2, NM_001278533.2); c.468C>T, p.Phe156= (NM_001278532.2).
Identifiers: ClinVar variation 787844 (VCV000787844.8), dbSNP rs138733309, ClinGen allele CA4106006.
Genomic context (GRCh38, chr6:169,760,745, plus strand): 5'-GAAATCTGCTTTTATATTAAAAATCATGTTACCATATTGGGAAGTTGCACTGGTCAAGTT[C>T]AAGTCACACAGGTAACTAAAGGGTACATGGCAGAGTGGTTTGCAGTGGTTGGAGGCCATT-3'
Protein context (NP_060811.1, residues 272-292): LPYWEVALVK[Phe282=]KSHRFADCAI